The following is an entry in ClinVar:

ClinVar aggregate classification (germline): Uncertain significance. Review status: criteria provided, multiple submitters, no conflicts (2 of 4 stars). 2 submissions from 2 submitters: Uncertain significance (2). Last evaluated 2026-04-15.

Conditions:
Hereditary cancer-predisposing syndrome. Also called: Neoplastic Syndromes, Hereditary; Hereditary neoplastic syndrome; Hereditary Cancer Syndrome; Tumor predisposition. Identifiers: Orphanet 140162, MedGen C0027672, MeSH D009386, MONDO:0015356.
Retinoblastoma (RB1). Also called: RETINOBLASTOMA, SOMATIC. Identifiers: Orphanet 790, MedGen C0035335, MeSH D012175, MONDO:0008380, OMIM 180200, HP:0009919. Disease mechanism: loss of function. Inheritance: Both sporadic and heritable forms are tested..

gnomAD v4.1: 2 of 1,611,624 alleles (0.00012%); highest among the groups gnomAD compares: Non-Finnish European, 0.00017%; no homozygotes.

Submissions (2):

Ambry Genetics
Classification: Uncertain significance for Hereditary cancer-predisposing syndrome. Last evaluated: 2026-04-15. Review status: criteria provided, single submitter. Criteria: Ambry Variant Classification Scheme 2023. Collection method: clinical testing. Allele origin: germline.
Comment: The p.E533Q variant (also known as c.1597G>C), located in coding exon 17 of the RB1 gene, results from a G to C substitution at nucleotide position 1597. The glutamic acid at codon 533 is replaced by glutamine, an amino acid with highly similar properties. This amino acid position is highly conserved in available vertebrate species. In addition, this alteration is predicted to be deleterious by in silico analysis. Based on the available evidence, the clinical significance of this variant remains unclear.

Labcorp Genetics (formerly Invitae), Labcorp
Classification: Uncertain significance for Retinoblastoma. Last evaluated: 2023-04-26. Review status: criteria provided, single submitter. Criteria: Invitae Variant Classification Sherloc (09022015). Collection method: clinical testing. Allele origin: germline.
Comment: This sequence change replaces glutamic acid, which is acidic and polar, with glutamine, which is neutral and polar, at codon 533 of the RB1 protein (p.Glu533Gln). This variant is not present in population databases (gnomAD no frequency). In summary, the available evidence is currently insufficient to determine the role of this variant in disease. Therefore, it has been classified as a Variant of Uncertain Significance. Advanced modeling of protein sequence and biophysical properties (such as structural, functional, and spatial information, amino acid conservation, physicochemical variation, residue mobility, and thermodynamic stability) performed at Invitae indicates that this missense variant is expected to disrupt RB1 protein function. ClinVar contains an entry for this variant (Variation ID: 819635). This variant has not been reported in the literature in individuals affected with RB1-related conditions.

NM_000321.3(RB1):c.1597G>C (p.Glu533Gln)

Gene: RB1 (RB transcriptional corepressor 1; plus strand). Cytogenetic location: 13q14.2.
Variant type: single nucleotide variant.
Coding change: c.1597G>C on transcript NM_000321.3 (MANE Select); coding-DNA position 1597, G replaced by C.
Protein change: p.Glu533Gln; replaces glutamic acid 533 with glutamine.
Molecular consequence: missense variant.
Genome position (GRCh38, 1-based): chr13:48,381,345, G>C. VCF-style: chr13-48381345-G-C. GRCh37 (hg19) VCF-style: chr13-48955481-G-C.
Other names: short protein forms E533Q.
Identifiers: ClinVar variation 819635 (VCV000819635.8), dbSNP rs1237070816, ClinGen allele CA388163692.